The following is an entry in ClinVar:

NC_000009.12:g.129824189C>T

Genes: TOR1A (torsin family 1 member A; minus strand), LOC130002772 (ATAC-STARR-seq lymphoblastoid active region 29122; plus strand). Cytogenetic location: 9q34.11.
Variant type: single nucleotide variant.
Genome position: GRCh38 VCF-style: chr9-129824189-C-T. GRCh37 (hg19) VCF-style: chr9-132586468-C-T.
Identifiers: ClinVar variation 1295835 (VCV001295835.6), dbSNP rs13300897, ClinGen allele CA13039642.

ClinVar aggregate classification (germline): Benign. Review status: criteria provided, multiple submitters, no conflicts (2 of 4 stars). 3 submissions from 3 submitters: Benign (3). Last evaluated 2024-07-31.

Allele frequency attached by ClinVar (database versions not stated): 1000 Genomes Project 30x 0.15334; TOPMed 0.15819; 1000 Genomes Project 0.15895; gnomAD 0.16632 and 0.16916; gnomAD exomes 0.21710.

Submissions (3):

Unidad de Genómica Garrahan, Hospital de Pediatría Garrahan
Classification: Benign. Last evaluated: 2024-07-31. Review status: criteria provided, single submitter. Criteria: ACMG Guidelines, 2015. Collection method: clinical testing. Allele origin: germline. Affected: no. Observed: 36 variant alleles.
Comment: This variant is classified as Benign based on local population frequency. This variant was detected in 39% of patients studied in a panel designed for Epileptic and Developmental Encephalopathy, Progressive Myoclonus Epilepsy and Abnormal Movements and Neurodegeneration with brain iron accumulation. Number of patients: 36. Only high quality variants are reported.

GeneDx
Classification: Benign. Last evaluated: 2018-08-14. Review status: criteria provided, single submitter. Criteria: GeneDx Variant Classification Process June 2021. Collection method: clinical testing. Allele origin: germline. Affected: yes.

Breakthrough Genomics
Classification: Benign. Review status: criteria provided, single submitter. Criteria: ACMG Guidelines, 2015. Collection method: not provided. Allele origin: germline. Inheritance: Autosomal recessive inheritance. Affected: yes.